The following is an entry in ClinVar:

ClinVar aggregate classification (germline): Uncertain significance (1 of 4 stars; one submission).

Conditions:
DIAPH1-related disorder. Also called: DIAPH1-related condition.

Allele frequency attached by ClinVar (database versions not stated): gnomAD 0.00001.
gnomAD v4.1: 2 of 1,613,438 alleles (0.00012%); highest among the groups gnomAD compares: African/African-American, 0.0027%; no homozygotes.

Submission:

PreventionGenetics, part of Exact Sciences
Classification: Uncertain significance for DIAPH1-related condition. Last evaluated: 2023-03-04. Review status: criteria provided, single submitter. Criteria: ACMG Guidelines, 2015. Collection method: clinical testing. Allele origin: germline.
Comment: The DIAPH1 c.2241G>A variant is predicted to result in the amino acid substitution p.Met747Ile. To our knowledge, this variant has not been reported in the literature or in a large population database, indicating this variant is rare. At this time, the clinical significance of this variant is uncertain due to the absence of conclusive functional and genetic evidence.

NM_005219.5(DIAPH1):c.2241G>A (p.Met747Ile)

Gene: DIAPH1 (diaphanous related formin 1; minus strand). Cytogenetic location: 5q31.3.
Variant type: single nucleotide variant.
Coding change: c.2241G>A on transcript NM_005219.5 (MANE Select); coding-DNA position 2241, G replaced by A.
Protein change: p.Met747Ile; replaces methionine 747 with isoleucine.
Molecular consequence: missense variant.
Genome position (GRCh38, 1-based): chr5:141,573,609, C>T on the plus strand (G>A on the coding strand, the complement: DIAPH1 is on the minus strand). VCF-style: chr5-141573609-C-T. GRCh37 (hg19) VCF-style: chr5-140953176-C-T.
Other names: c.2214G>A, p.Met738Ile (NM_001079812.3); c.2241G>A, p.Met747Ile (NM_001314007.2); short protein forms M738I, M747I.
Identifiers: ClinVar variation 2633631 (VCV002633631.1), dbSNP rs2099895521, ClinGen allele CA361517009.